The following is an entry in ClinVar:

NM_013382.7(POMT2):c.884C>A (p.Thr295Lys)

Gene: POMT2 (protein O-mannosyltransferase 2; minus strand). Cytogenetic location: 14q24.3.
Variant type: single nucleotide variant.
Coding change: c.884C>A on transcript NM_013382.7 (MANE Select); coding-DNA position 884, C replaced by A.
Protein change: p.Thr295Lys; replaces threonine 295 with lysine.
Molecular consequence: missense variant.
Genome position (GRCh38, 1-based): chr14:77,299,494, G>T on the plus strand (C>A on the coding strand, the complement: POMT2 is on the minus strand). VCF-style: chr14-77299494-G-T. GRCh37 (hg19) VCF-style: chr14-77765837-G-T.
Other names: short protein forms T295K.
Identifiers: ClinVar variation 3363105 (VCV003363105.2).

ClinVar aggregate classification (germline): Uncertain significance (1 of 4 stars; one submission).

Conditions:
POMT2-related disorder. Also called: POMT2-related condition.

Submission:

Kasturba Medical College, Manipal, Kasturba Medical College, Manipal, Manipal Academy of Higher Education, Manipal, India
Classification: Uncertain significance for POMT2-related disorder. Review status: criteria provided, single submitter. Criteria: ACMG Guidelines, 2015. Collection method: clinical testing. Allele origin: unknown. Inheritance: Autosomal recessive inheritance. Affected: yes. Observed: 1 homozygote.
Comment: Another variant c.884C>T leading to substitution of Thr295Ile has been reported as variant of uncertain significance by three submitters in the ClinVar database (ClinVar ID: 198555). Bi-allelic variants in POMT2 have been reported to cause muscular dystrophy-dystroglycanopathy (type A, 2; type B, 2; type C, 2).